The following is an entry in ClinVar:

ClinVar aggregate classification (germline): Uncertain significance (1 of 4 stars; one submission).

Conditions:
Congenital contractural arachnodactyly (CCA). Also called: BEALS SYNDROME; Beals-Hecht syndrome; Arthrogryposis, distal, type 9. Identifiers: Orphanet 115, MedGen C0220668, MONDO:0007363, OMIM 121050.

Submission:

Labcorp Genetics (formerly Invitae), Labcorp
Classification: Uncertain significance for Congenital contractural arachnodactyly. Last evaluated: 2020-06-29. Review status: criteria provided, single submitter. Criteria: Invitae Variant Classification Sherloc (09022015). Collection method: clinical testing. Allele origin: germline.
Comment: In summary, the available evidence is currently insufficient to determine the role of this variant in disease. Therefore, it has been classified as a Variant of Uncertain Significance. Algorithms developed to predict the effect of missense changes on protein structure and function are either unavailable or do not agree on the potential impact of this missense change (SIFT: "Deleterious"; PolyPhen-2: "Benign"; Align-GVGD: "Class C65"). This variant has not been reported in the literature in individuals with FBN2-related conditions. This variant is not present in population databases (ExAC no frequency). This sequence change replaces glutamic acid with glycine at codon 1993 of the FBN2 protein (p.Glu1993Gly). The glutamic acid residue is highly conserved and there is a moderate physicochemical difference between glutamic acid and glycine.

NM_001999.4(FBN2):c.5978A>G (p.Glu1993Gly)

Gene: FBN2 (fibrillin 2; minus strand). Cytogenetic location: 5q23.3.
Variant type: single nucleotide variant.
Coding change: c.5978A>G on transcript NM_001999.4 (MANE Select); coding-DNA position 5978, A replaced by G.
Protein change: p.Glu1993Gly; replaces glutamic acid 1993 with glycine.
Molecular consequence: missense variant.
Genome position (GRCh38, 1-based): chr5:128,301,450, T>C on the plus strand (A>G on the coding strand, the complement: FBN2 is on the minus strand). VCF-style: chr5-128301450-T-C. GRCh37 (hg19) VCF-style: chr5-127637142-T-C.
Other names: short protein forms E1993G.
Identifiers: ClinVar variation 1034898 (VCV001034898.9), dbSNP rs1749717138, ClinGen allele CA360766789.